The following is an entry in ClinVar:

ClinVar aggregate classification (germline): Uncertain significance (1 of 4 stars; one submission).

Allele frequency attached by ClinVar (database versions not stated): ExAC 0.00001; gnomAD exomes 0.00001.
gnomAD v4.1: 10 of 1,614,206 alleles (0.00062%); highest among the groups gnomAD compares: Non-Finnish European, 0.00085%; no homozygotes.

Submission:

GeneDx
Classification: Uncertain significance. Last evaluated: 2022-11-21. Review status: criteria provided, single submitter. Criteria: GeneDx Variant Classification Process June 2021. Collection method: clinical testing. Allele origin: germline. Affected: yes.
Comment: Not observed at significant frequency in large population cohorts (gnomAD); In silico analysis supports that this missense variant does not alter protein structure/function; Has not been previously published as pathogenic or benign to our knowledge

NM_004281.4(BAG3):c.1223C>T (p.Pro408Leu)

Gene: BAG3 (BAG cochaperone 3; plus strand). Cytogenetic location: 10q26.11.
Variant type: single nucleotide variant.
Coding change: c.1223C>T on transcript NM_004281.4 (MANE Select); coding-DNA position 1223, C replaced by T.
Protein change: p.Pro408Leu; replaces proline 408 with leucine.
Molecular consequence: missense variant.
Genome position (GRCh38, 1-based): chr10:119,676,777, C>T. VCF-style: chr10-119676777-C-T. GRCh37 (hg19) VCF-style: chr10-121436289-C-T.
Other names: short protein forms P408L.
Identifiers: ClinVar variation 2502798 (VCV002502798.1), dbSNP rs762050746, ClinGen allele CA5716511.